The following is an entry in ClinVar:

NM_020975.6(RET):c.2444T>G (p.Phe815Cys)

Gene: RET (ret proto-oncogene; plus strand). Cytogenetic location: 10q11.21.
Variant type: single nucleotide variant.
Coding change: c.2444T>G on transcript NM_020975.6 (MANE Select); coding-DNA position 2444, T replaced by G.
Protein change: p.Phe815Cys; replaces phenylalanine 815 with cysteine.
Molecular consequence: missense variant.
Genome position (GRCh38, 1-based): chr10:43,119,582, T>G. VCF-style: chr10-43119582-T-G. GRCh37 (hg19) VCF-style: chr10-43615030-T-G.
Other names: c.2444T>G, p.Phe815Cys (NM_000323.2, NM_001406743.1, NM_001406744.1 and 4 more transcripts); c.1682T>G, p.Phe561Cys (NM_001355216.2); c.2315T>G, p.Phe772Cys (NM_001406761.1, NM_001406762.1, NM_001406764.1); c.2309T>G, p.Phe770Cys (NM_001406763.1, NM_001406765.1); c.2156T>G, p.Phe719Cys (NM_001406766.1, NM_001406767.1, NM_001406770.1); c.2180T>G, p.Phe727Cys (NM_001406768.1); c.2048T>G, p.Phe683Cys (NM_001406769.1, NM_001406772.1); c.2006T>G, p.Phe669Cys (NM_001406771.1, NM_001406773.1); and 10 more; short protein forms F815C, F561C, F516C, F772C, F420C, F471C, F640C, F727C.
Identifiers: ClinVar variation 1386963 (VCV001386963.9), dbSNP rs2132944356, ClinGen allele CA376556184.

ClinVar aggregate classification (germline): Uncertain significance (1 of 4 stars; one submission).

Conditions:
Multiple endocrine neoplasia, type 2 (MEN2). Identifiers: Orphanet 653, MedGen C4048306, MONDO:0019003. Disease mechanism: gain of function.

Submission:

Labcorp Genetics (formerly Invitae), Labcorp
Classification: Uncertain significance for Multiple endocrine neoplasia, type 2. Last evaluated: 2024-04-10. Review status: criteria provided, single submitter. Criteria: Invitae Variant Classification Sherloc (09022015). Collection method: clinical testing. Allele origin: germline.
Comment: This sequence change replaces phenylalanine, which is neutral and non-polar, with cysteine, which is neutral and slightly polar, at codon 815 of the RET protein (p.Phe815Cys). This variant is not present in population databases (gnomAD no frequency). This variant has not been reported in the literature in individuals affected with RET-related conditions. ClinVar contains an entry for this variant (Variation ID: 1386963). An algorithm developed to predict the effect of missense changes on protein structure and function (PolyPhen-2) suggests that this variant is likely to be disruptive. In summary, the available evidence is currently insufficient to determine the role of this variant in disease. Therefore, it has been classified as a Variant of Uncertain Significance.